The following is an entry in ClinVar:

NM_001365951.3(KIF1B):c.2925-3del

Gene: KIF1B (kinesin family member 1B; plus strand). Cytogenetic location: 1p36.22.
Variant type: Deletion.
Coding change: c.2925-3del on transcript NM_001365951.3 (MANE Select); 3 bases into the intron before coding-DNA position 2925, one base deleted (T; older notation c.2925-3delT).
Molecular consequence: intron variant.
Genome position (GRCh38, 1-based): chr1:10,334,517, T deleted; the last of 3 consecutive T bases (chr1:10,334,515-10,334,517); deleting any one gives the same sequence. VCF-style (leftmost placement, unchanged base first): chr1-10334514-CT-C. GRCh37 (hg19) VCF-style: chr1-10394572-CT-C.
Other names: c.2787-3delT (NM_015074.3); c.2787-3del (NM_015074.3); c.2925-3del (NM_001365952.1).
Identifiers: ClinVar variation 1549324 (VCV001549324.11), dbSNP rs756643992, ClinGen allele CA581648.

ClinVar aggregate classification (germline): Conflicting classifications of pathogenicity. Review status: criteria provided, conflicting classifications (1 of 4 stars). 2 submissions from 2 submitters: Uncertain significance (1); Likely benign (1). Last evaluated 2025-08-06.

Conditions:
Charcot-Marie-Tooth disease type 2. Also called: Charcot-Marie-Tooth type 2. Identifiers: Orphanet 64746, MedGen C0270914, MONDO:0018993.

Submissions (2):

Labcorp Genetics (formerly Invitae), Labcorp
Classification: Likely benign for Charcot-Marie-Tooth disease type 2. Last evaluated: 2025-08-06. Review status: criteria provided, single submitter. Criteria: Invitae Variant Classification Sherloc (09022015). Collection method: clinical testing. Allele origin: germline.

Ambry Genetics
Classification: Uncertain significance. Last evaluated: 2025-05-22. Review status: criteria provided, single submitter. Criteria: Ambry Variant Classification Scheme 2023. Collection method: clinical testing. Allele origin: germline.
Comment: The c.2787-3delT intronic variant is located 3 nucleotides upstream of coding exon 25 of the KIF1B gene. This variant results from a deletion of one nucleotide at position c.2787-3. This nucleotide position is not well conserved in available vertebrate species. In silico splice site analysis predicts that this alteration will not have any significant effect on splicing. The evidence for this gene-disease relationship is limited; therefore, the clinical significance of this alteration is unclear.